The following is an entry in ClinVar:

ClinVar aggregate classification (germline): Uncertain significance (1 of 4 stars; one submission).

Submission:

Ambry Genetics
Classification: Uncertain significance. Last evaluated: 2025-06-18. Review status: criteria provided, single submitter. Criteria: Ambry Variant Classification Scheme 2023. Collection method: clinical testing. Allele origin: germline.
Comment: The p.K270R variant (also known as c.809A>G), located in coding exon 5 of the ATRIP gene, results from an A to G substitution at nucleotide position 809. The lysine at codon 270 is replaced by arginine, an amino acid with highly similar properties. This amino acid position is conserved. In addition, this alteration is predicted to be tolerated by in silico analysis. Based on the available evidence, the clinical significance of this variant remains unclear.

NM_130384.3(ATRIP):c.809A>G (p.Lys270Arg)

Genes: ATRIP (ATR interacting protein; plus strand), ATRIP-TREX1 (ATRIP-TREX1 readthrough; plus strand). Cytogenetic location: 3p21.31.
Variant type: single nucleotide variant.
Coding change: c.809A>G on transcript NM_130384.3 (MANE Select); coding-DNA position 809, A replaced by G.
Protein change: p.Lys270Arg; replaces lysine 270 with arginine.
Molecular consequence: missense variant. On other transcripts: non-coding transcript variant (1).
Genome position (GRCh38, 1-based): chr3:48,457,396, A>G. VCF-style: chr3-48457396-A-G. GRCh37 (hg19) VCF-style: chr3-48498796-A-G.
Other names: c.428A>G, p.Lys143Arg (NM_001271022.2); c.530A>G, p.Lys177Arg (NM_001271023.2); c.809A>G, p.Lys270Arg (NM_032166.4); short protein forms K143R, K177R, K270R.
Identifiers: ClinVar variation 4181806 (VCV004181806.1).
Genomic context (GRCh38, chr3:48,457,396, plus strand): 5'-AGGAGTCTTTTAGTGCTAACATGTCCCTTCCCCACCCCTGCCAGACGGAGTCAGGATACA[A>G]GCCTCTGGTGGGCAGAGAGGGTAAGTCCATTAGTCATCTATTGATGTATAACAAGCTACC-3'
Protein context (NP_569055.1, residues 260-280): PHPCQTESGY[Lys270Arg]PLVGREDSKP